The following is an entry in ClinVar:

NM_001754.5(RUNX1):c.1245G>C (p.Gln415His)

Gene: RUNX1 (RUNX family transcription factor 1; minus strand). Cytogenetic location: 21q22.12.
Variant type: single nucleotide variant.
Coding change: c.1245G>C on transcript NM_001754.5 (MANE Select); coding-DNA position 1245, G replaced by C.
Protein change: p.Gln415His; replaces glutamine 415 with histidine.
Molecular consequence: missense variant.
Genome position (GRCh38, 1-based): chr21:34,792,333, C>G on the plus strand (G>C on the coding strand, the complement: RUNX1 is on the minus strand). VCF-style: chr21-34792333-C-G. GRCh37 (hg19) VCF-style: chr21-36164630-C-G.
Other names: c.1164G>C, p.Gln388His (NM_001001890.3); short protein forms Q388H, Q415H.
Identifiers: ClinVar variation 4825293 (VCV004825293.1).

ClinVar aggregate classification (germline): Uncertain significance (1 of 4 stars; one submission).

Conditions:
Inborn genetic diseases. Identifiers: MedGen C0950123, MeSH D030342.

gnomAD v4.1: 2 of 1,552,536 alleles (0.00013%); highest among the groups gnomAD compares: Non-Finnish European, 0.00017%; no homozygotes.

Submission:

Ambry Genetics
Classification: Uncertain significance for Inborn genetic diseases. Last evaluated: 2026-02-22. Review status: criteria provided, single submitter. Criteria: Ambry Variant Classification Scheme 2023. Collection method: clinical testing. Allele origin: germline.
Comment: The p.Q415H variant (also known as c.1245G>C), located in coding exon 8 of the RUNX1 gene, results from a G to C substitution at nucleotide position 1245. The glutamine at codon 415 is replaced by histidine, an amino acid with highly similar properties. This amino acid position is conserved. In addition, the in silico prediction for this alteration is inconclusive. Based on the available evidence, the clinical significance of this variant remains unclear.